The following is an entry in ClinVar:

NM_001953.5(TYMP):c.1301-12dup

Genes: SCO2 (synthesis of cytochrome C oxidase 2; minus strand), TYMP (thymidine phosphorylase; minus strand), LOC130067862 (ATAC-STARR-seq lymphoblastoid silent region 13986; plus strand). Cytogenetic location: 22q13.33.
Variant type: Duplication.
Coding change: c.1301-12dup on transcript NM_001953.5 (MANE Select); 12 bases into the intron before coding-DNA position 1301, one base duplicated (C; older notation c.1301-12dupC).
Molecular consequence: intron variant.
Genome position (GRCh38, 1-based): chr22:50,525,930, G duplicated on the plus strand (C on the coding strand, the reverse complement: TYMP is on the minus strand); the first of 4 consecutive G bases (chr22:50,525,930-50,525,933); duplicating any one gives the same sequence. VCF-style (leftmost placement, unchanged base first): chr22-50525929-A-AG. GRCh37 (hg19) VCF-style: chr22-50964358-A-AG.
Other names: c.1301-12dup (NM_001113755.3, NM_001113756.3, NM_001257988.1); c.-14+316dup (NM_001169109.2); c.-14+71dup (NM_001169110.1); c.1316-12dup (NM_001257989.1); c.1301-12dupC (NM_001953.3).
Identifiers: ClinVar variation 422017 (VCV000422017.7), dbSNP rs1064795503, ClinGen allele CA16621136.

ClinVar aggregate classification (germline): Benign/Likely benign. Review status: criteria provided, multiple submitters, no conflicts (2 of 4 stars). 2 submissions from 2 submitters: Benign (1); Likely benign (1). Last evaluated 2025-10-06.

Submissions (2):

Labcorp Genetics (formerly Invitae), Labcorp
Classification: Benign. Last evaluated: 2025-10-06. Review status: criteria provided, single submitter. Criteria: Invitae Variant Classification Sherloc (09022015). Collection method: clinical testing. Allele origin: germline.

GeneDx
Classification: Likely benign. Last evaluated: 2016-08-18. Review status: criteria provided, single submitter. Criteria: GeneDx Variant Classification (06012015). Collection method: clinical testing. Allele origin: germline. Affected: yes.
Comment: This variant is considered likely benign or benign based on one or more of the following criteria: it is a conservative change, it occurs at a poorly conserved position in the protein, it is predicted to be benign by multiple in silico algorithms, and/or has population frequency not consistent with disease.